The following is an entry in ClinVar:

ClinVar aggregate classification (germline): Uncertain significance (1 of 4 stars; one submission).

Conditions:
Inborn genetic diseases. Identifiers: MedGen C0950123, MeSH D030342.

Submission:

Ambry Genetics
Classification: Uncertain significance for Inborn genetic diseases. Last evaluated: 2024-11-03. Review status: criteria provided, single submitter. Criteria: Ambry Variant Classification Scheme 2023. Collection method: clinical testing. Allele origin: germline.
Comment: The p.D357N variant (also known as c.1069G>A), located in coding exon 9 of the EPAS1 gene, results from a G to A substitution at nucleotide position 1069. The aspartic acid at codon 357 is replaced by asparagine, an amino acid with highly similar properties. This amino acid position is conserved. In addition, this alteration is predicted to be tolerated by in silico analysis. Based on the available evidence, the clinical significance of this variant remains unclear.

NM_001430.5(EPAS1):c.1069G>A (p.Asp357Asn)

Gene: EPAS1 (endothelial PAS domain protein 1; plus strand). Cytogenetic location: 2p21.
Variant type: single nucleotide variant.
Coding change: c.1069G>A on transcript NM_001430.5 (MANE Select); coding-DNA position 1069, G replaced by A.
Protein change: p.Asp357Asn; replaces aspartic acid 357 with asparagine.
Molecular consequence: missense variant.
Genome position (GRCh38, 1-based): chr2:46,376,573, G>A. VCF-style: chr2-46376573-G-A. GRCh37 (hg19) VCF-style: chr2-46603712-G-A.
Other names: short protein forms D357N.
Identifiers: ClinVar variation 3509019 (VCV003509019.1).